The following is an entry in ClinVar:

ClinVar aggregate classification (germline): Uncertain significance (1 of 4 stars; one submission).

Conditions:
DOCK2 deficiency. Also called: Immunodeficiency 40. Identifiers: Orphanet 447737, MedGen C4225328, MONDO:0014637, OMIM 616433.

Allele frequency attached by ClinVar (database versions not stated): gnomAD exomes below 0.00001; TOPMed below 0.00001; gnomAD 0.00001.
gnomAD v4.1: 3 of 1,613,888 alleles (0.00019%); highest among the groups gnomAD compares: Non-Finnish European, 0.00025%; no homozygotes.

Submission:

Labcorp Genetics (formerly Invitae), Labcorp
Classification: Uncertain significance for DOCK2 deficiency. Last evaluated: 2022-07-01. Review status: criteria provided, single submitter. Criteria: Invitae Variant Classification Sherloc (09022015). Collection method: clinical testing. Allele origin: germline.
Comment: This sequence change replaces isoleucine, which is neutral and non-polar, with valine, which is neutral and non-polar, at codon 449 of the DOCK2 protein (p.Ile449Val). This variant is present in population databases (no rsID available, gnomAD 0.0009%). This variant has not been reported in the literature in individuals affected with DOCK2-related conditions. ClinVar contains an entry for this variant (Variation ID: 1357175). Algorithms developed to predict the effect of missense changes on protein structure and function (SIFT, PolyPhen-2, Align-GVGD) all suggest that this variant is likely to be tolerated. In summary, the available evidence is currently insufficient to determine the role of this variant in disease. Therefore, it has been classified as a Variant of Uncertain Significance.

NM_004946.3(DOCK2):c.1345A>G (p.Ile449Val)

Gene: DOCK2 (dedicator of cytokinesis 2; plus strand). Cytogenetic location: 5q35.1.
Variant type: single nucleotide variant.
Coding change: c.1345A>G on transcript NM_004946.3 (MANE Select); coding-DNA position 1345, A replaced by G.
Protein change: p.Ile449Val; replaces isoleucine 449 with valine.
Molecular consequence: missense variant. On other transcripts: non-coding transcript variant (1).
Genome position (GRCh38, 1-based): chr5:169,702,389, A>G. VCF-style: chr5-169702389-A-G. GRCh37 (hg19) VCF-style: chr5-169129393-A-G.
Other names: short protein forms I449V.
Identifiers: ClinVar variation 1357175 (VCV001357175.7), dbSNP rs1411417063, ClinGen allele CA362106133.